The following is an entry in ClinVar:

ClinVar aggregate classification (germline): Uncertain significance (1 of 4 stars; one submission).

Submission:

Ambry Genetics
Classification: Uncertain significance. Last evaluated: 2025-08-23. Review status: criteria provided, single submitter. Criteria: Ambry Variant Classification Scheme 2023. Collection method: clinical testing. Allele origin: germline.
Comment: The p.V68A variant (also known as c.203T>C), located in coding exon 2 of the GEN1 gene, results from a T to C substitution at nucleotide position 203. The valine at codon 68 is replaced by alanine, an amino acid with similar properties. This amino acid position is conserved. In addition, the in silico prediction for this alteration is inconclusive. Based on the available evidence, the clinical significance of this variant remains unclear.

NM_001130009.3(GEN1):c.203T>C (p.Val68Ala)

Gene: GEN1 (GEN1 Holliday junction 5' flap endonuclease; plus strand). Cytogenetic location: 2p24.2.
Variant type: single nucleotide variant.
Coding change: c.203T>C on transcript NM_001130009.3 (MANE Select); coding-DNA position 203, T replaced by C.
Protein change: p.Val68Ala; replaces valine 68 with alanine.
Molecular consequence: missense variant.
Genome position (GRCh38, 1-based): chr2:17,761,437, T>C. VCF-style: chr2-17761437-T-C. GRCh37 (hg19) VCF-style: chr2-17942704-T-C.
Other names: c.203T>C, p.Val68Ala (NM_182625.5); short protein forms V68A.
Identifiers: ClinVar variation 4263091 (VCV004263091.1).
Genomic context (GRCh38, chr2:17,761,437, plus strand): 5'-ACTAATTTATATATTTCAGGAACTTATTTTTTCGTATCTCATATTTAACACAAATGGATG[T>C]AAAACTGGTATTTGTTATGGAAGGGGAACCACCAAAGCTGAAAGCTGATGTCATAAGCAA-3'
Protein context (NP_001123481.3, residues 58-78): FRISYLTQMD[Val68Ala]KLVFVMEGEP